The following is an entry in ClinVar:

NM_144991.3(TSPEAR):c.1057G>A (p.Val353Ile)

Gene: TSPEAR (thrombospondin type laminin G domain and EAR repeats; minus strand). Cytogenetic location: 21q22.3.
Variant type: single nucleotide variant.
Coding change: c.1057G>A on transcript NM_144991.3 (MANE Select); coding-DNA position 1057, G replaced by A.
Protein change: p.Val353Ile; replaces valine 353 with isoleucine.
Molecular consequence: missense variant.
Genome position (GRCh38, 1-based): chr21:44,527,384, C>T on the plus strand (G>A on the coding strand, the complement: TSPEAR is on the minus strand). VCF-style: chr21-44527384-C-T. GRCh37 (hg19) VCF-style: chr21-45947267-C-T.
Other names: c.853G>A, p.Val285Ile (NM_001272037.2); short protein forms V353I, V285I.
Identifiers: ClinVar variation 719122 (VCV000719122.12), dbSNP rs371482276, ClinGen allele CA10056743.

ClinVar aggregate classification (germline): Conflicting classifications of pathogenicity. Review status: criteria provided, conflicting classifications (1 of 4 stars). 4 submissions from 4 submitters: Uncertain significance (1); Likely benign (2). 1 of the submissions does not count toward it. Last evaluated 2025-05-22.

Conditions:
TSPEAR-related disorder. Also called: TSPEAR-related condition.
Inborn genetic diseases. Identifiers: MedGen C0950123, MeSH D030342.

Allele frequency attached by ClinVar (database versions not stated): gnomAD exomes 0.00007 and 0.00020; gnomAD 0.00010; TOPMed 0.00010; ExAC 0.00013; 1000 Genomes Project 0.00020; 1000 Genomes Project 30x 0.00031.
gnomAD v4.1: 132 of 1,614,202 alleles (0.0082%); highest among the groups gnomAD compares: East Asian, 0.12%; no homozygotes.

Submissions (4):

Labcorp Genetics (formerly Invitae), Labcorp
Classification: Likely benign. Last evaluated: 2025-05-22. Review status: criteria provided, single submitter. Criteria: Invitae Variant Classification Sherloc (09022015). Collection method: clinical testing. Allele origin: germline.

Blueprint Genetics
Classification: Uncertain significance. Last evaluated: 2024-10-16. Review status: criteria provided, single submitter. Criteria: ACMG Guidelines, 2015. Collection method: clinical testing. Allele origin: germline.

Ambry Genetics
Classification: Likely benign for Inborn genetic diseases. Last evaluated: 2023-04-17. Review status: criteria provided, single submitter. Criteria: Ambry Variant Classification Scheme 2023. Collection method: clinical testing. Allele origin: germline.

PreventionGenetics, part of Exact Sciences
Classification: Likely benign for TSPEAR-related condition. Last evaluated: 2023-01-10. Review status: no assertion criteria provided. Collection method: clinical testing. Allele origin: germline. Not counted in ClinVar's aggregate classification.
Comment: This variant is classified as likely benign based on ACMG/AMP sequence variant interpretation guidelines (Richards et al. 2015 PMID: 25741868, with internal and published modifications).